The following is an entry in ClinVar:

ClinVar aggregate classification (germline): Uncertain significance (1 of 4 stars; one submission).

Allele frequency attached by ClinVar (database versions not stated): TOPMed below 0.00001; ExAC 0.00002; gnomAD 0.00002.
gnomAD v4.1: 52 of 1,612,884 alleles (0.0032%); highest among the groups gnomAD compares: Non-Finnish European, 0.0042%; no homozygotes.

Submission:

Labcorp Genetics (formerly Invitae), Labcorp
Classification: Uncertain significance. Last evaluated: 2022-06-10. Review status: criteria provided, single submitter. Criteria: Invitae Variant Classification Sherloc (09022015). Collection method: clinical testing. Allele origin: germline.
Comment: This sequence change replaces serine, which is neutral and polar, with isoleucine, which is neutral and non-polar, at codon 135 of the SAMD11 protein (p.Ser135Ile). This variant is present in population databases (rs536409422, gnomAD 0.003%). This variant has not been reported in the literature in individuals affected with SAMD11-related conditions. Algorithms developed to predict the effect of missense changes on protein structure and function are either unavailable or do not agree on the potential impact of this missense change (SIFT: "Deleterious"; PolyPhen-2: "Possibly Damaging"; Align-GVGD: "Class C0"). In summary, the available evidence is currently insufficient to determine the role of this variant in disease. Therefore, it has been classified as a Variant of Uncertain Significance.

NM_001385641.1(SAMD11):c.941G>T (p.Ser314Ile)

Gene: SAMD11 (sterile alpha motif domain containing 11; plus strand). Cytogenetic location: 1p36.33.
Variant type: single nucleotide variant.
Coding change: c.941G>T on transcript NM_001385641.1 (MANE Select); coding-DNA position 941, G replaced by T.
Protein change: p.Ser314Ile; replaces serine 314 with isoleucine.
Molecular consequence: missense variant.
Genome position (GRCh38, 1-based): chr1:935,870, G>T. VCF-style: chr1-935870-G-T. GRCh37 (hg19) VCF-style: chr1-871250-G-T.
Other names: c.941G>T, p.Ser314Ile (NM_001385640.1); c.404G>T, p.Ser135Ile (NM_152486.4); short protein forms S135I, S314I.
Identifiers: ClinVar variation 1929801 (VCV001929801.2), dbSNP rs536409422, ClinGen allele CA502591.